The following is an entry in ClinVar:

ClinVar aggregate classification (germline): Pathogenic/Likely pathogenic. Review status: criteria provided, multiple submitters, no conflicts (2 of 4 stars). 2 submissions from 2 submitters: Pathogenic (1); Likely pathogenic (1). Last evaluated 2024-11-05.

Conditions:
Orofaciodigital syndrome type 6 (OFD6). Also called: POLYDACTYLY, CLEFT LIP/PALATE OR LINGUAL LUMP, AND PSYCHOMOTOR RETARDATION; OROFACIODIGITAL SYNDROME VI; OFDS VI; VARADI SYNDROME; VARADI-PAPP SYNDROME; Oral-facial-digital syndrome type 6. Identifiers: Orphanet 2754, MedGen C2745997, MONDO:0010176, OMIM 277170.
Joubert syndrome 17 (JBTS17). Identifiers: Orphanet 475, MedGen C3553264, MONDO:0013824, OMIM 614615.

Submissions (2):

Labcorp Genetics (formerly Invitae), Labcorp
Classification: Pathogenic. Last evaluated: 2024-11-05. Review status: criteria provided, single submitter. Criteria: Invitae Variant Classification Sherloc (09022015). Collection method: clinical testing. Allele origin: germline.
Comment: This sequence change creates a premature translational stop signal (p.Lys2345Serfs*46) in the CPLANE1 gene. It is expected to result in an absent or disrupted protein product. Loss-of-function variants in CPLANE1 are known to be pathogenic (PMID: 24178751, 26092869). This variant is not present in population databases (gnomAD no frequency). This variant has not been reported in the literature in individuals affected with CPLANE1-related conditions. ClinVar contains an entry for this variant (Variation ID: 1456393). Algorithms developed to predict the effect of sequence changes on RNA splicing suggest that this variant may create or strengthen a splice site. For these reasons, this variant has been classified as Pathogenic.

Fulgent Genetics
Classification: Likely pathogenic for Orofaciodigital syndrome type 6; Joubert syndrome 17. Last evaluated: 2021-10-15. Review status: criteria provided, single submitter. Criteria: ACMG Guidelines, 2015. Collection method: clinical testing. Allele origin: unknown.

Literature cited by the submitters: PubMed 24178751 (cited by Labcorp Genetics (formerly Invitae), Labcorp); PubMed 26092869 (cited by Labcorp Genetics (formerly Invitae), Labcorp).

NM_001384732.1(CPLANE1):c.7032del (p.Lys2345fs)

Gene: CPLANE1 (ciliogenesis and planar polarity effector complex subunit 1; minus strand). Cytogenetic location: 5p13.2.
Variant type: Deletion.
Coding change: c.7032del on transcript NM_001384732.1 (MANE Select); coding-DNA position 7032, one base deleted (T; older notation c.7032delT).
Protein change: p.Lys2345fs; shifts the reading frame from lysine 2345.
Molecular consequence: frameshift variant.
Genome position (GRCh38, 1-based): chr5:37,168,992, A deleted on the plus strand (T on the coding strand, the reverse complement: CPLANE1 is on the minus strand); the first of 2 consecutive A bases (chr5:37,168,992-37,168,993); deleting either gives the same sequence. VCF-style (leftmost placement, unchanged base first): chr5-37168991-TA-T. GRCh37 (hg19) VCF-style: chr5-37169093-TA-T.
Other names: c.7032del, p.Lys2345fs (NM_023073.4); short protein forms K2345fs.
Identifiers: ClinVar variation 1456393 (VCV001456393.7), dbSNP rs1779035528, ClinGen allele CA1539666942.